The following is an entry in ClinVar:

NM_177438.3(DICER1):c.560G>C (p.Arg187Pro)

Gene: DICER1 (dicer 1, ribonuclease III; minus strand). Cytogenetic location: 14q32.13.
Variant type: single nucleotide variant.
Coding change: c.560G>C on transcript NM_177438.3 (MANE Select); coding-DNA position 560, G replaced by C.
Protein change: p.Arg187Pro; replaces arginine 187 with proline.
Molecular consequence: missense variant. On other transcripts: 5 prime UTR variant (2), non-coding transcript variant (6).
Genome position (GRCh38, 1-based): chr14:95,130,071, C>G on the plus strand (G>C on the coding strand, the complement: DICER1 is on the minus strand). VCF-style: chr14-95130071-C-G. GRCh37 (hg19) VCF-style: chr14-95596408-C-G.
Other names: c.278G>C, p.Arg93Pro (NM_001395686.1); c.155G>C, p.Arg52Pro (NM_001395689.1, NM_001395690.1, NM_001395687.1 and 3 more transcripts); c.-8G>C (NM_001395691.1); c.560G>C, p.Arg187Pro (NM_001395692.1, NM_001395693.1, NM_001395699.1 and 15 more transcripts); c.-1009G>C (NM_001395697.1); short protein forms R187P, R52P, R93P.
Identifiers: ClinVar variation 2586424 (VCV002586424.2), dbSNP rs775207591, ClinGen allele CA7331641.

ClinVar aggregate classification (germline): Uncertain significance (1 of 4 stars; one submission).

Conditions:
Hereditary cancer-predisposing syndrome. Also called: Hereditary neoplastic syndrome; Tumor predisposition; Hereditary Cancer Syndrome; Neoplastic Syndromes, Hereditary. Identifiers: Orphanet 140162, MedGen C0027672, MeSH D009386, MONDO:0015356.

gnomAD v4.1: 1 of 1,613,236 alleles (0.000062%); no homozygotes.

Submission:

Ambry Genetics
Classification: Uncertain significance for Hereditary cancer-predisposing syndrome. Last evaluated: 2023-08-26. Review status: criteria provided, single submitter. Criteria: Ambry Variant Classification Scheme 2023. Collection method: clinical testing. Allele origin: germline.
Comment: The p.R187P variant (also known as c.560G>C), located in coding exon 4 of the DICER1 gene, results from a G to C substitution at nucleotide position 560. The arginine at codon 187 is replaced by proline, an amino acid with dissimilar properties. This amino acid position is conserved. In addition, the in silico prediction for this alteration is inconclusive. Since supporting evidence is limited at this time, the clinical significance of this alteration remains unclear.